The following is an entry in ClinVar:

ClinVar aggregate classification (germline): Conflicting classifications of pathogenicity. Review status: criteria provided, conflicting classifications (1 of 4 stars). 2 submissions from 1 submitter: Uncertain significance (1); Likely benign (1). Last evaluated 2018-01-13.

Conditions:
Idiopathic hypereosinophilic syndrome (HES). Identifiers: Orphanet 3260, MedGen C0206141, MONDO:0011895, OMIM 607685. Disease mechanism: gain of function.
Gastrointestinal stromal tumor. Also called: Gastrointestinal stromal tumor, somatic; Gastrointestinal stroma tumor. Identifiers: Orphanet 44890, MedGen C0238198, MeSH D046152, MONDO:0011719, OMIM 606764, HP:0100723.

Allele frequency attached by ClinVar (database versions not stated): gnomAD 0.00001 and 0.00012; TOPMed 0.00005; gnomAD exomes 0.00006; 1000 Genomes Project 0.00080; 1000 Genomes Project 30x 0.00094.
gnomAD v4.1: 23 of 244,548 alleles (0.0094%); highest among the groups gnomAD compares: South Asian, 0.3%; no homozygotes.

Submissions (2):

Illumina Laboratory Services, Illumina
Classification: Uncertain significance for Gastrointestinal stromal tumor. Last evaluated: 2018-01-13. Review status: criteria provided, single submitter. Criteria: ICSL Variant Classification Criteria 13 December 2019. Collection method: clinical testing. Allele origin: germline.

Illumina Laboratory Services, Illumina
Classification: Likely benign for Idiopathic hypereosinophilic syndrome. Last evaluated: 2018-01-13. Review status: criteria provided, single submitter. Criteria: ICSL Variant Classification Criteria 13 December 2019. Collection method: clinical testing. Allele origin: germline.
Comment: This variant was observed in the ICSL laboratory as part of a predisposition screen in an ostensibly healthy population. It had not been previously curated by ICSL or reported in the Human Gene Mutation Database (HGMD: prior to June 1st, 2018), and was therefore a candidate for classification through an automated scoring system. Utilizing variant allele frequency, disease prevalence and penetrance estimates, and inheritance mode, an automated score was calculated to assess if this variant is too frequent to cause the disease. Based on the score and internal cut-off values, a variant classified as likely benign is not then subjected to further curation. The score for this variant resulted in a classification of likely benign for this disease.

NM_006206.6(PDGFRA):c.*505A>G

Gene: PDGFRA (platelet derived growth factor receptor alpha; plus strand). Cytogenetic location: 4q12.
Variant type: single nucleotide variant.
Coding change: c.*505A>G on transcript NM_006206.6 (MANE Select); 505 bases downstream of the stop codon, A replaced by G.
Molecular consequence: 3 prime UTR variant.
Genome position (GRCh38, 1-based): chr4:54,295,777, A>G. VCF-style: chr4-54295777-A-G. GRCh37 (hg19) VCF-style: chr4-55161944-A-G.
Other names: c.*505A>G (NM_001347828.2, NM_001347829.2, NM_001347830.2).
Identifiers: ClinVar variation 348917 (VCV000348917.5), dbSNP rs373134586, ClinGen allele CA10621195.